The following is an entry in ClinVar:

NM_017654.4(SAMD9):c.2358G>C (p.Met786Ile)

Gene: SAMD9 (sterile alpha motif domain containing 9; minus strand). Cytogenetic location: 7q21.2.
Variant type: single nucleotide variant.
Coding change: c.2358G>C on transcript NM_017654.4 (MANE Select); coding-DNA position 2358, G replaced by C.
Protein change: p.Met786Ile; replaces methionine 786 with isoleucine.
Molecular consequence: missense variant.
Genome position (GRCh38, 1-based): chr7:93,103,740, C>G on the plus strand (G>C on the coding strand, the complement: SAMD9 is on the minus strand). VCF-style: chr7-93103740-C-G. GRCh37 (hg19) VCF-style: chr7-92733053-C-G.
Other names: c.2358G>C, p.Met786Ile (NM_001193307.2); c.2358G>C (NM_017654.3); short protein forms M786I.
Identifiers: ClinVar variation 1939927 (VCV001939927.6), dbSNP rs1159996433, ClinGen allele CA368191108.

ClinVar aggregate classification (germline): Uncertain significance. Review status: criteria provided, multiple submitters, no conflicts (2 of 4 stars). 2 submissions from 2 submitters: Uncertain significance (2). Last evaluated 2025-03-01.

Conditions:
Inborn genetic diseases. Identifiers: MedGen C0950123, MeSH D030342.

Allele frequency attached by ClinVar (database versions not stated): gnomAD exomes below 0.00001; gnomAD 0.00001; TOPMed 0.00001.

Submissions (2):

Ambry Genetics
Classification: Uncertain significance for Inborn genetic diseases. Last evaluated: 2025-03-01. Review status: criteria provided, single submitter. Criteria: Ambry Variant Classification Scheme 2023. Collection method: clinical testing. Allele origin: germline.
Comment: The p.M786I variant (also known as c.2358G>C), located in coding exon 1 of the SAMD9 gene, results from a G to C substitution at nucleotide position 2358. The methionine at codon 786 is replaced by isoleucine, an amino acid with highly similar properties. This amino acid position is conserved. In addition, this alteration is predicted to be tolerated by in silico analysis. Based on the available evidence, the clinical significance of this variant remains unclear.

Labcorp Genetics (formerly Invitae), Labcorp
Classification: Uncertain significance. Last evaluated: 2024-10-29. Review status: criteria provided, single submitter. Criteria: Invitae Variant Classification Sherloc (09022015). Collection method: clinical testing. Allele origin: germline.
Comment: This sequence change replaces methionine, which is neutral and non-polar, with isoleucine, which is neutral and non-polar, at codon 786 of the SAMD9 protein (p.Met786Ile). This variant is present in population databases (no rsID available, gnomAD 0.002%). This variant has not been reported in the literature in individuals affected with SAMD9-related conditions. ClinVar contains an entry for this variant (Variation ID: 1939927). Invitae Evidence Modeling of protein sequence and biophysical properties (such as structural, functional, and spatial information, amino acid conservation, physicochemical variation, residue mobility, and thermodynamic stability) indicates that this missense variant is not expected to disrupt SAMD9 protein function with a negative predictive value of 95%. In summary, the available evidence is currently insufficient to determine the role of this variant in disease. Therefore, it has been classified as a Variant of Uncertain Significance.